The following is an entry in ClinVar:

ClinVar aggregate classification (germline): Pathogenic (1 of 4 stars; one submission).

Submission:

Labcorp Genetics (formerly Invitae), Labcorp
Classification: Pathogenic. Last evaluated: 2023-04-17. Review status: criteria provided, single submitter. Criteria: Invitae Variant Classification Sherloc (09022015). Collection method: clinical testing. Allele origin: germline.
Comment: For these reasons, this variant has been classified as Pathogenic. This variant has not been reported in the literature in individuals affected with TPO-related conditions. This variant is not present in population databases (gnomAD no frequency). This sequence change creates a premature translational stop signal (p.Pro379Argfs*94) in the TPO gene. It is expected to result in an absent or disrupted protein product. Loss-of-function variants in TPO are known to be pathogenic (PMID: 11061528, 23236987, 25564141).

Literature cited by the submitters: PubMed 11061528; PubMed 23236987; PubMed 25564141.

NM_001206744.2(TPO):c.1132_1135dup (p.Pro379fs)

Gene: TPO (thyroid peroxidase; plus strand). Cytogenetic location: 2p25.3.
Variant type: Duplication.
Coding change: c.1132_1135dup on transcript NM_001206744.2 (MANE Select); coding-DNA positions 1132 to 1135, 4 bases duplicated (GAGC; older notation c.1132_1135dupGAGC).
Protein change: p.Pro379fs; shifts the reading frame from proline 379.
Molecular consequence: frameshift variant. On other transcripts: intron variant (1).
Genome position (GRCh38, 1-based): chr2:1,477,398-1,477,401, GAGC duplicated; duplicating any 4 consecutive bases within chr2:1,477,397-1,477,401 gives the same sequence; the c. name uses the placement nearest the transcript's 3' end. VCF-style (leftmost placement, unchanged base first): chr2-1477396-C-CCGAG. GRCh37 (hg19) VCF-style: chr2-1481168-C-CCGAG.
Other names: c.1132_1135dup, p.Pro379fs (NM_000547.6, NM_001206745.2, NM_175719.4 and 1 more transcripts); c.820-7198_820-7195dup (NM_175722.3); short protein forms P379fs.
Identifiers: ClinVar variation 2856954 (VCV002856954.3), dbSNP rs1670067657, ClinGen allele CA1233568269.